The following is an entry in ClinVar:

ClinVar aggregate classification (germline): Uncertain significance (1 of 4 stars; one submission).

Conditions:
PLXNA4-related disorder. Also called: PLXNA4-related condition.

Submission:

PreventionGenetics, part of Exact Sciences
Classification: Uncertain significance for PLXNA4-related condition. Last evaluated: 2025-11-18. Review status: criteria provided, single submitter. Criteria: ACMG Guidelines, 2015. Collection method: clinical testing. Allele origin: germline.
Comment: The PLXNA4 c.1135G>T variant is predicted to result in the amino acid substitution p.Gly379Cys. To our knowledge, this variant has not been reported in the literature or in a large population database (gnomAD), indicating this variant is rare. At this time, the clinical significance of this variant is uncertain due to the absence of conclusive functional and genetic evidence.

NM_020911.2(PLXNA4):c.1135G>T (p.Gly379Cys)

Gene: PLXNA4 (plexin A4; minus strand). Cytogenetic location: 7q32.3.
Variant type: single nucleotide variant.
Coding change: c.1135G>T on transcript NM_020911.2 (MANE Select); coding-DNA position 1135, G replaced by T.
Protein change: p.Gly379Cys; replaces glycine 379 with cysteine.
Molecular consequence: missense variant.
Genome position (GRCh38, 1-based): chr7:132,507,559, C>A on the plus strand (G>T on the coding strand, the complement: PLXNA4 is on the minus strand). VCF-style: chr7-132507559-C-A. GRCh37 (hg19) VCF-style: chr7-132192318-C-A.
Other names: c.1135G>T, p.Gly379Cys (NM_001105543.2, NM_001393897.1, NM_181775.4); short protein forms G379C.
Identifiers: ClinVar variation 4996043 (VCV004996043.1).